The following is an entry in ClinVar:

ClinVar aggregate classification (germline): Pathogenic. Review status: reviewed by expert panel (3 of 4 stars). 2 submissions from 2 submitters: Pathogenic (1). 1 of the submissions does not count toward it. Last evaluated 2017-12-15.

Conditions:
Breast-ovarian cancer, familial, susceptibility to, 1 (BROVCA1). Also called: OVARIAN CANCER, SUSCEPTIBILITY TO; BRCA1 Hereditary Breast and Ovarian Cancer. Identifiers: Orphanet 145, MedGen C2676676, MONDO:0011450, OMIM 604370. Disease mechanism: loss of function.
Familial cancer of breast. Also called: Hereditary breast cancer; hereditary breast carcinoma; BREAST CANCER, FAMILIAL. Identifiers: Orphanet 227535, MedGen C0346153, MONDO:0016419, OMIM 114480. Disease mechanism: loss of function.

Submissions (2):

Evidence-based Network for the Interpretation of Germline Mutant Alleles (ENIGMA)
Classification: Pathogenic for Breast-ovarian cancer, familial, susceptibility to, 1. Last evaluated: 2017-12-15. Review status: reviewed by expert panel. Criteria: ENIGMA BRCA1/2 Classification Criteria (2017-06-29). Collection method: curation. Allele origin: germline. Study: ENIGMA.
Comment: Variant allele predicted to encode a truncated non-functional protein.

ClinVar Staff, National Center for Biotechnology Information (NCBI)
No classification provided. Condition: Familial cancer of breast. Review status: no classification provided. Collection method: literature only. Allele origin: germline. Affected: yes. Not counted in ClinVar's aggregate classification.

Literature cited by the submitters: PubMed 21990299 (cited by ClinVar Staff, National Center for Biotechnology Information (NCBI)).

NM_007294.4(BRCA1):c.1499_1508dup (p.Lys503_Arg504insTer)

Gene: BRCA1 (BRCA1 DNA repair associated; minus strand). Cytogenetic location: 17q21.31.
Variant type: Duplication.
Coding change: c.1499_1508dup on transcript NM_007294.4 (MANE Select); coding-DNA positions 1499 to 1508, 10 bases duplicated (ATAAATTAAA; older notation c.1499_1508dupATAAATTAAA).
Protein change: p.Lys503_Arg504insTer.
Molecular consequence: nonsense, inframe insertion. On other transcripts: frameshift variant (1), intron variant (137).
Genome position (GRCh38, 1-based): chr17:43,094,023-43,094,032, TTTAATTTAT duplicated on the plus strand (ATAAATTAAA on the coding strand, the reverse complement: BRCA1 is on the minus strand); duplicating any 10 consecutive bases within chr17:43,094,023-43,094,034 gives the same sequence; the c. name uses the placement nearest the transcript's 3' end. VCF-style (leftmost placement, unchanged base first): chr17-43094022-C-CTTTAATTTAT. GRCh37 (hg19) VCF-style: chr17-41246039-C-CTTTAATTTAT.
Other names: c.1499_1508dupATAAATTAAA (NM_007294.3); c.1496_1505dup, p.Lys502_Arg503insTer (NM_001407637.1, NM_001407638.1, NM_001407644.1 and 22 more transcripts); c.1499_1508dup, p.Lys503_Arg504insTer (NM_001407639.1, NM_001407640.1, NM_001407641.1 and 30 more transcripts); c.1490_1499dup, p.Lys500_Arg501insTer (NM_001407646.1, NM_001407647.1); c.1376_1385dup, p.Lys462_Arg463insTer (NM_001407648.1, NM_001407664.1, NM_001407665.1 and 19 more transcripts); c.1373_1382dup, p.Lys461_Arg462insTer (NM_001407649.1, NM_001407670.1, NM_001407671.1 and 11 more transcripts); c.1421_1430dup, p.Lys477_Arg478insTer (NM_001407653.1, NM_001407654.1, NM_001407655.1 and 4 more transcripts); c.1418_1427dup, p.Lys476_Arg477insTer (NM_001407659.1, NM_001407660.1, NM_001407661.1 and 1 more transcripts); and 41 more.
Identifiers: ClinVar variation 54270 (VCV000054270.3), dbSNP rs397508873, ClinGen allele CA356573.